The following is an entry in ClinVar:

NM_004618.5(TOP3A):c.2489A>G (p.Asn830Ser)

Gene: TOP3A (DNA topoisomerase III alpha; minus strand). Cytogenetic location: 17p11.2.
Variant type: single nucleotide variant.
Coding change: c.2489A>G on transcript NM_004618.5 (MANE Select); coding-DNA position 2489, A replaced by G.
Protein change: p.Asn830Ser; replaces asparagine 830 with serine.
Molecular consequence: missense variant.
Genome position (GRCh38, 1-based): chr17:18,278,013, T>C on the plus strand (A>G on the coding strand, the complement: TOP3A is on the minus strand). VCF-style: chr17-18278013-T-C. GRCh37 (hg19) VCF-style: chr17-18181327-T-C.
Other names: c.2204A>G, p.Asn735Ser (NM_001320759.2); short protein forms N735S, N830S.
Identifiers: ClinVar variation 1941055 (VCV001941055.5), dbSNP rs538053478, ClinGen allele CA8429591.

ClinVar aggregate classification (germline): Uncertain significance (1 of 4 stars; one submission).

Allele frequency attached by ClinVar (database versions not stated): TOPMed 0.00002; ExAC 0.00003; gnomAD 0.00003; 1000 Genomes Project 0.00020; 1000 Genomes Project 30x 0.00031.
gnomAD v4.1: 21 of 1,614,134 alleles (0.0013%); highest among the groups gnomAD compares: South Asian, 0.0099%; no homozygotes.

Submission:

Labcorp Genetics (formerly Invitae), Labcorp
Classification: Uncertain significance. Last evaluated: 2021-12-29. Review status: criteria provided, single submitter. Criteria: Invitae Variant Classification Sherloc (09022015). Collection method: clinical testing. Allele origin: germline.
Comment: In summary, the available evidence is currently insufficient to determine the role of this variant in disease. Therefore, it has been classified as a Variant of Uncertain Significance. Algorithms developed to predict the effect of missense changes on protein structure and function are either unavailable or do not agree on the potential impact of this missense change (SIFT: "Not Available"; PolyPhen-2: "Probably Damaging"; Align-GVGD: "Not Available"). This variant has not been reported in the literature in individuals affected with TOP3A-related conditions. This variant is present in population databases (rs538053478, gnomAD 0.01%). This sequence change replaces asparagine, which is neutral and polar, with serine, which is neutral and polar, at codon 830 of the TOP3A protein (p.Asn830Ser).